The following is an entry in ClinVar:

NM_004370.6(COL12A1):c.3188T>C (p.Ile1063Thr)

Gene: COL12A1 (collagen type XII alpha 1 chain; minus strand). Cytogenetic location: 6q13.
Variant type: single nucleotide variant.
Coding change: c.3188T>C on transcript NM_004370.6 (MANE Select); coding-DNA position 3188, T replaced by C.
Protein change: p.Ile1063Thr; replaces isoleucine 1063 with threonine.
Molecular consequence: missense variant. On other transcripts: intron variant (1).
Genome position (GRCh38, 1-based): chr6:75,156,319, A>G on the plus strand (T>C on the coding strand, the complement: COL12A1 is on the minus strand). VCF-style: chr6-75156319-A-G. GRCh37 (hg19) VCF-style: chr6-75866035-A-G.
Other names: c.74-3837T>C (NM_080645.3); short protein forms I1063T.
Identifiers: ClinVar variation 2078867 (VCV002078867.4), dbSNP rs2533425846, ClinGen allele CA364753623.

ClinVar aggregate classification (germline): Uncertain significance (1 of 4 stars; one submission).

Conditions:
Ullrich congenital muscular dystrophy 2 (UCMD2). Identifiers: Orphanet 75840, MedGen C4225314, MONDO:0014654, OMIM 616470.
Bethlem myopathy 2 (BTHLM2). Identifiers: Orphanet 536516, Orphanet 610, MedGen C4225313, MONDO:0034022, OMIM 616471.

gnomAD v4.1: 2 of 1,613,868 alleles (0.00012%); highest among the groups gnomAD compares: Non-Finnish European, 0.00017%; no homozygotes.

Submission:

Labcorp Genetics (formerly Invitae), Labcorp
Classification: Uncertain significance for Bethlem myopathy 2; Ullrich congenital muscular dystrophy 2. Last evaluated: 2022-10-22. Review status: criteria provided, single submitter. Criteria: Invitae Variant Classification Sherloc (09022015). Collection method: clinical testing. Allele origin: germline.
Comment: In summary, the available evidence is currently insufficient to determine the role of this variant in disease. Therefore, it has been classified as a Variant of Uncertain Significance. Advanced modeling of protein sequence and biophysical properties (such as structural, functional, and spatial information, amino acid conservation, physicochemical variation, residue mobility, and thermodynamic stability) performed at Invitae indicates that this missense variant is not expected to disrupt COL12A1 protein function. This variant has not been reported in the literature in individuals affected with COL12A1-related conditions. This variant is not present in population databases (gnomAD no frequency). This sequence change replaces isoleucine, which is neutral and non-polar, with threonine, which is neutral and polar, at codon 1063 of the COL12A1 protein (p.Ile1063Thr).